The following is an entry in ClinVar:

NM_001393769.1(MED12L):c.2128A>G (p.Arg710Gly)

Gene: MED12L (mediator complex subunit 12L; plus strand). Cytogenetic location: 3q25.1.
Variant type: single nucleotide variant.
Coding change: c.2128A>G on transcript NM_001393769.1 (MANE Select); coding-DNA position 2128, A replaced by G.
Protein change: p.Arg710Gly; replaces arginine 710 with glycine.
Molecular consequence: missense variant.
Genome position (GRCh38, 1-based): chr3:151,193,544, A>G. VCF-style: chr3-151193544-A-G. GRCh37 (hg19) VCF-style: chr3-150911331-A-G.
Other names: c.2023A>G, p.Arg675Gly (NM_053002.6); short protein forms R675G, R710G.
Identifiers: ClinVar variation 3359308 (VCV003359308.1).
Genomic context (GRCh38, chr3:151,193,544, plus strand): 5'-ACTTAGATTTTTTCTCCTATGCCTGGAGAATCCTGTGAGAATGCCAACACTTCGTTGGGC[A>G]GAAGAATGTCAGTTAATTGTGAGAAGTTGGTGAAGAGGGAAAAGCCAAGGGAATTAATTT-3'
Protein context (NP_001380698.1, residues 700-720): SCENANTSLG[Arg710Gly]RMSVNCEKLV

ClinVar aggregate classification (germline): Uncertain significance (1 of 4 stars; one submission).

Submission:

GeneDx
Classification: Uncertain significance. Last evaluated: 2023-06-04. Review status: criteria provided, single submitter. Criteria: GeneDx Variant Classification Process June 2021. Collection method: clinical testing. Allele origin: germline. Affected: yes.
Comment: Not observed at significant frequency in large population cohorts (gnomAD); In silico analysis supports that this missense variant does not alter protein structure/function; Has not been previously published as pathogenic or benign to our knowledge